The following is an entry in ClinVar:

ClinVar aggregate classification (germline): Pathogenic (1 of 4 stars; one submission).

Submission:

GeneDx
Classification: Pathogenic. Last evaluated: 2022-08-04. Review status: criteria provided, single submitter. Criteria: GeneDx Variant Classification Process June 2021. Collection method: clinical testing. Allele origin: germline. Affected: yes.
Comment: Occurs in the triple helical domain and replaces a glycine in a canonical Gly-X-Y repeat; missense substitution of a canonical glycine residue is expected to disrupt normal protein folding and function, and this is an established mechanism of disease (Jovanovic et al., 2021); Not observed at significant frequency in large population cohorts (gnomAD); In silico analysis supports that this missense variant has a deleterious effect on protein structure/function; This variant is associated with the following publications: (PMID: 34007986, 30829463, 26307460, 31414283, 30715774)

NM_000089.4(COL1A2):c.3197G>T (p.Gly1066Val)

Gene: COL1A2 (collagen type I alpha 2 chain; plus strand). Cytogenetic location: 7q21.3.
Variant type: single nucleotide variant.
Coding change: c.3197G>T on transcript NM_000089.4 (MANE Select); coding-DNA position 3197, G replaced by T.
Protein change: p.Gly1066Val; replaces glycine 1066 with valine.
Molecular consequence: missense variant.
Genome position (GRCh38, 1-based): chr7:94,427,225, G>T. VCF-style: chr7-94427225-G-T. GRCh37 (hg19) VCF-style: chr7-94056537-G-T.
Other names: short protein forms G1066V.
Identifiers: ClinVar variation 2428944 (VCV002428944.3), dbSNP rs72659331, ClinGen allele CA368225481.